The following is an entry in ClinVar:

NM_001127511.3(APC):c.-72C>A

Gene: APC (APC regulator of Wnt signaling pathway; plus strand). Cytogenetic location: 5q22.2.
Variant type: single nucleotide variant.
Coding change: c.-72C>A on transcript NM_001127511.3; 72 bases upstream of the start codon, C replaced by A.
Molecular consequence: 5 prime UTR variant. On other transcripts: non-coding transcript variant (2).
Genome position (GRCh38, 1-based): chr5:112,707,646, C>A. VCF-style: chr5-112707646-C-A. GRCh37 (hg19) VCF-style: chr5-112043343-C-A.
Other names: c.-255C>A (NM_001354895.2, NM_001407447.1, NM_001407452.1 and 3 more transcripts); c.-72C>A (NM_001354897.2, NM_001354902.2, NM_001407446.1); c.-22C>A (NM_001407448.1, NM_001407450.1, NM_001407457.1 and 1 more transcripts); c.-46C>A (NM_001407453.1); c.-1290C>A (NM_001407470.1, NM_001407472.1).
Identifiers: ClinVar variation 1054798 (VCV001054798.7), dbSNP rs2149629990, ClinGen allele CA2499217399.

ClinVar aggregate classification (germline): Uncertain significance (1 of 4 stars; one submission).

Conditions:
Familial adenomatous polyposis 1 (FAP1). Also called: FAMILIAL ADENOMATOUS POLYPOSIS 1, ATTENUATED; POLYPOSIS, ADENOMATOUS INTESTINAL. Identifiers: MedGen C2713442, MONDO:0021056, OMIM 175100. Disease mechanism: loss of function.

Submission:

Labcorp Genetics (formerly Invitae), Labcorp
Classification: Uncertain significance for Familial adenomatous polyposis 1. Last evaluated: 2020-06-30. Review status: criteria provided, single submitter. Criteria: Invitae Variant Classification Sherloc (09022015). Collection method: clinical testing. Allele origin: germline.
Comment: This variant has not been reported in the literature in individuals with APC-related conditions. In summary, the available evidence is currently insufficient to determine the role of this variant in disease. Therefore, it has been classified as a Variant of Uncertain Significance. Experimental studies and prediction algorithms are not available or were not evaluated, and the functional significance of this variant is currently unknown. The frequency data for this variant in the population databases is considered unreliable, as metrics indicate insufficient coverage at this position in the ExAC database. This variant occurs in a non-coding region of the APC gene. It does not change the encoded amino acid sequence of the APC protein.